The following is an entry in ClinVar:

NM_000038.6(APC):c.3701G>C (p.Ser1234Thr)

Gene: APC (APC regulator of Wnt signaling pathway; plus strand). Cytogenetic location: 5q22.2.
Variant type: single nucleotide variant.
Coding change: c.3701G>C on transcript NM_000038.6 (MANE Select); coding-DNA position 3701, G replaced by C.
Protein change: p.Ser1234Thr; replaces serine 1234 with threonine.
Molecular consequence: missense variant.
Genome position (GRCh38, 1-based): chr5:112,839,295, G>C. VCF-style: chr5-112839295-G-C. GRCh37 (hg19) VCF-style: chr5-112174992-G-C.
Other names: c.3701G>C, p.Ser1234Thr (NM_001127510.3, NM_001354895.2); c.3647G>C, p.Ser1216Thr (NM_001127511.3); c.3755G>C, p.Ser1252Thr (NM_001354896.2); c.3731G>C, p.Ser1244Thr (NM_001354897.2); c.3626G>C, p.Ser1209Thr (NM_001354898.2); c.3617G>C, p.Ser1206Thr (NM_001354899.2); c.3578G>C, p.Ser1193Thr (NM_001354900.2); c.3524G>C, p.Ser1175Thr (NM_001354901.2); and 5 more; short protein forms S1216T, S1234T, S1108T, S1175T, S1209T, S951T, S1074T, S1143T.
Identifiers: ClinVar variation 469935 (VCV000469935.14), dbSNP rs751533193, ClinGen allele CA036311.

ClinVar aggregate classification (germline): Uncertain significance. Review status: criteria provided, multiple submitters, no conflicts (2 of 4 stars). 3 submissions from 3 submitters: Uncertain significance (3). Last evaluated 2025-06-30.

Conditions:
Hereditary cancer-predisposing syndrome. Also called: Hereditary neoplastic syndrome; Neoplastic Syndromes, Hereditary; Hereditary Cancer Syndrome; Tumor predisposition. Identifiers: Orphanet 140162, MedGen C0027672, MeSH D009386, MONDO:0015356.
Familial adenomatous polyposis 1 (FAP1). Also called: POLYPOSIS, ADENOMATOUS INTESTINAL; FAMILIAL ADENOMATOUS POLYPOSIS 1, ATTENUATED. Identifiers: MedGen C2713442, MONDO:0021056, OMIM 175100. Disease mechanism: loss of function.

Allele frequency attached by ClinVar (database versions not stated): gnomAD exomes below 0.00001; ExAC 0.00001.
gnomAD v4.1: 2 of 1,614,144 alleles (0.00012%); highest among the groups gnomAD compares: Non-Finnish European, 0.00017%; no homozygotes.

Submissions (3):

Labcorp Genetics (formerly Invitae), Labcorp
Classification: Uncertain significance for Familial adenomatous polyposis 1. Last evaluated: 2025-06-30. Review status: criteria provided, single submitter. Criteria: Invitae Variant Classification Sherloc (09022015). Collection method: clinical testing. Allele origin: germline.
Comment: This sequence change replaces serine, which is neutral and polar, with threonine, which is neutral and polar, at codon 1234 of the APC protein (p.Ser1234Thr). This variant is present in population databases (rs751533193, gnomAD 0.0009%). This variant has not been reported in the literature in individuals affected with APC-related conditions. ClinVar contains an entry for this variant (Variation ID: 469935). Invitae Evidence Modeling of protein sequence and biophysical properties (such as structural, functional, and spatial information, amino acid conservation, physicochemical variation, residue mobility, and thermodynamic stability) indicates that this missense variant is not expected to disrupt APC protein function with a negative predictive value of 95%. In summary, the available evidence is currently insufficient to determine the role of this variant in disease. Therefore, it has been classified as a Variant of Uncertain Significance.

Blueprint Genetics
Classification: Uncertain significance. Last evaluated: 2022-09-05. Review status: criteria provided, single submitter. Criteria: ACMG Guidelines, 2015. Collection method: clinical testing. Allele origin: germline.

Color Diagnostics, LLC DBA Color Health
Classification: Uncertain significance for Hereditary cancer-predisposing syndrome. Last evaluated: 2019-12-17. Review status: criteria provided, single submitter. Criteria: ACMG Guidelines, 2015. Collection method: clinical testing. Allele origin: germline.
Comment: This missense variant replaces serine with threonine at codon 1234 of the APC protein. Computational prediction suggests that this variant may not impact protein structure and function (internally defined REVEL score threshold <= 0.5, PMID: 27666373). Splice site prediction tools suggest that this variant may not impact RNA splicing. To our knowledge, functional studies have not been performed for this variant. This variant has not been reported in individuals affected with hereditary cancer in the literature. This variant has been identified in 1/249870 chromosomes in the general population by the Genome Aggregation Database (gnomAD). The available evidence is insufficient to determine the role of this variant in disease conclusively. Therefore, this variant is classified as a Variant of Uncertain Significance.